The following is an entry in ClinVar:

NM_000051.4(ATM):c.3078-17A>G

Gene: ATM (ATM serine/threonine kinase; plus strand). Cytogenetic location: 11q22.3.
Variant type: single nucleotide variant.
Coding change: c.3078-17A>G on transcript NM_000051.4 (MANE Select); 17 bases into the intron before coding-DNA position 3078, A replaced by G.
Molecular consequence: intron variant.
Genome position (GRCh38, 1-based): chr11:108,272,515, A>G. VCF-style: chr11-108272515-A-G. GRCh37 (hg19) VCF-style: chr11-108143242-A-G.
Other names: c.3078-17A>G (NM_001351834.2).
Identifiers: ClinVar variation 1356915 (VCV001356915.9), dbSNP rs2081636353, ClinGen allele CA941940840.
Genomic context (GRCh38, chr11:108,272,515, plus strand): 5'-CAATAACCTTTCAGTGAGTTTTCTGAGTGCTTTTATCAGAATGATTATTTAACTTTGGAA[A>G]ACTTACTTGATTTCAGGCATCTAACAAAGGAGAGGAAATATATATTCTCTGTAAGAATGG-3'

ClinVar aggregate classification (germline): Conflicting classifications of pathogenicity. Review status: criteria provided, conflicting classifications (1 of 4 stars). 2 submissions from 2 submitters: Likely pathogenic (1); Uncertain significance (1). Last evaluated 2025-11-18.

Conditions:
Ataxia-telangiectasia syndrome (AT). Also called: ATAXIA-TELANGIECTASIA, COMPLEMENTATION GROUP A; ATAXIA-TELANGIECTASIA, FRESNO VARIANT; Ataxia-telangiectasia; Ataxia-telangiectasia, complementation group D; Ataxia-telangiectasia, complementation group E; Ataxia telangiectasia (A-T). Identifiers: Orphanet 100, MedGen C0004135, MONDO:0008840, OMIM 208900.
Hereditary cancer-predisposing syndrome. Also called: Hereditary Cancer Syndrome; Hereditary neoplastic syndrome; Tumor predisposition; Neoplastic Syndromes, Hereditary. Identifiers: Orphanet 140162, MedGen C0027672, MeSH D009386, MONDO:0015356.

Allele frequency attached by ClinVar (database versions not stated): gnomAD 0.00001.
gnomAD v4.1: 1 of 1,595,918 alleles (0.000063%); highest among the groups gnomAD compares: African/African-American, 0.0013%; no homozygotes.

Submissions (2):

Ambry Genetics
Classification: Likely pathogenic for Hereditary cancer-predisposing syndrome. Last evaluated: 2025-11-18. Review status: criteria provided, single submitter. Criteria: Ambry Variant Classification Scheme 2023. Collection method: clinical testing. Allele origin: germline.
Comment: The c.3078-17A>G intronic variant results from an A to G substitution 17 nucleotides upstream from coding exon 20 in the ATM gene. This nucleotide position is poorly conserved in available vertebrate species. In silico splice site analysis predicts that this alteration will weaken the native splice acceptor site. RNA studies have demonstrated that this alteration results in abnormal splicing in the set of samples tested (Ambry internal data). This variant is considered to be rare based on population cohorts in the Genome Aggregation Database (gnomAD). Based on the majority of available evidence to date, this variant is likely to be pathogenic.

Labcorp Genetics (formerly Invitae), Labcorp
Classification: Uncertain significance for Ataxia-telangiectasia syndrome. Last evaluated: 2025-10-12. Review status: criteria provided, single submitter. Criteria: Invitae Variant Classification Sherloc (09022015). Collection method: clinical testing. Allele origin: germline.
Comment: This sequence change falls in intron 20 of the ATM gene. It does not directly change the encoded amino acid sequence of the ATM protein. RNA analysis indicates that this variant induces altered splicing and may result in an absent or altered protein product. This variant is not present in population databases (gnomAD no frequency). This variant has not been reported in the literature in individuals affected with ATM-related conditions. ClinVar contains an entry for this variant (Variation ID: 1356915). Studies have shown that this variant results in skipping of exon 21, and produces a non-functional protein and/or introduces a premature termination codon (internal data). In summary, the available evidence is currently insufficient to determine the role of this variant in disease. Therefore, it has been classified as a Variant of Uncertain Significance.